The following is an entry in ClinVar:

NM_004727.3(SLC24A1):c.2662GAG[2] (p.Glu890del)

Gene: SLC24A1 (solute carrier family 24 member 1; plus strand). Cytogenetic location: 15q22.31.
Variant type: Microsatellite.
Coding change: c.2662GAG[2] on transcript NM_004727.3 (MANE Select); two copies in a row of the 3-base unit GAG starting at c.2662; the reference has three copies in a row; one copy, 3 bases deleted.
Protein change: p.Glu890del; deletes glutamic acid 890.
Molecular consequence: inframe deletion. On other transcripts: inframe indel (1).
Genome position (GRCh38, 1-based): chr15:65,650,817-65,650,819, GAG deleted; deleting any 3 consecutive bases within chr15:65,650,811-65,650,819 gives the same sequence; the position shown is the placement nearest the transcript's 3' end. VCF-style (leftmost placement, unchanged base first): chr15-65650810-AGAG-A. GRCh37 (hg19) VCF-style: chr15-65943148-AGAG-A.
Other names: c.2320_2322GAG[2], p.Glu776del (NM_001411142.1); c.643GAG[2], p.Glu217del (NM_001254740.2); c.2662GAG[2], p.Glu890del (NM_001301031.1); c.2608GAG[2], p.Glu872del (NM_001301032.1, NM_001301033.2); short protein forms E776del, E890del, E217del, E872del.
Identifiers: ClinVar variation 2182274 (VCV002182274.5), dbSNP rs1295105003, ClinGen allele CA618958026.

ClinVar aggregate classification (germline): Uncertain significance. Review status: criteria provided, multiple submitters, no conflicts (2 of 4 stars). 2 submissions from 2 submitters: Uncertain significance (2). Last evaluated 2022-02-12.

Submissions (2):

Labcorp Genetics (formerly Invitae), Labcorp
Classification: Uncertain significance. Last evaluated: 2022-02-12. Review status: criteria provided, single submitter. Criteria: Invitae Variant Classification Sherloc (09022015). Collection method: clinical testing. Allele origin: germline.
Comment: The frequency data for this variant in the population databases is considered unreliable, as metrics indicate poor data quality at this position in the gnomAD database. This variant has not been reported in the literature in individuals affected with SLC24A1-related conditions. Experimental studies and prediction algorithms are not available or were not evaluated, and the functional significance of this variant is currently unknown. In summary, the available evidence is currently insufficient to determine the role of this variant in disease. Therefore, it has been classified as a Variant of Uncertain Significance. This variant, c.2668_2670del, results in the deletion of 1 amino acid(s) of the SLC24A1 protein (p.Glu890del), but otherwise preserves the integrity of the reading frame.

Blueprint Genetics
Classification: Uncertain significance. Last evaluated: 2021-12-14. Review status: criteria provided, single submitter. Criteria: ACMG Guidelines, 2015. Collection method: clinical testing. Allele origin: germline.